The following is an entry in ClinVar:

NM_022773.4(LMF1):c.890T>C (p.Leu297Pro)

Gene: LMF1 (lipase maturation factor 1; minus strand). Cytogenetic location: 16p13.3.
Variant type: single nucleotide variant.
Coding change: c.890T>C on transcript NM_022773.4 (MANE Select); coding-DNA position 890, T replaced by C.
Protein change: p.Leu297Pro; replaces leucine 297 with proline.
Molecular consequence: missense variant. On other transcripts: non-coding transcript variant (1).
Genome position (GRCh38, 1-based): chr16:879,577, A>G on the plus strand (T>C on the coding strand, the complement: LMF1 is on the minus strand). VCF-style: chr16-879577-A-G. GRCh37 (hg19) VCF-style: chr16-929577-A-G.
Other names: c.239T>C, p.Leu80Pro (NM_001352017.2, NM_001352021.2); c.491T>C, p.Leu164Pro (NM_001352018.2); c.563T>C, p.Leu188Pro (NM_001352019.2); c.890T>C, p.Leu297Pro (NM_001352020.1); short protein forms L297P, L80P, L164P, L188P.
Identifiers: ClinVar variation 1765082 (VCV001765082.4), dbSNP rs771388880, ClinGen allele CA7797327.

ClinVar aggregate classification (germline): Uncertain significance. Review status: criteria provided, multiple submitters, no conflicts (2 of 4 stars). 2 submissions from 2 submitters: Uncertain significance (2). Last evaluated 2025-08-18.

Conditions:
Cardiovascular phenotype. Identifiers: MedGen CN230736.

Allele frequency attached by ClinVar (database versions not stated): TOPMed below 0.00001; ExAC 0.00001; gnomAD 0.00001; gnomAD exomes 0.00001; 1000 Genomes Project 30x 0.00016.
gnomAD v4.1: 6 of 1,612,888 alleles (0.00037%); highest among the groups gnomAD compares: Admixed American, 0.005%; no homozygotes.

Submissions (2):

Labcorp Genetics (formerly Invitae), Labcorp
Classification: Uncertain significance. Last evaluated: 2025-08-18. Review status: criteria provided, single submitter. Criteria: Invitae Variant Classification Sherloc (09022015). Collection method: clinical testing. Allele origin: germline.
Comment: This sequence change replaces leucine, which is neutral and non-polar, with proline, which is neutral and non-polar, at codon 297 of the LMF1 protein (p.Leu297Pro). This variant is present in population databases (rs771388880, gnomAD 0.006%). This variant has not been reported in the literature in individuals affected with LMF1-related conditions. ClinVar contains an entry for this variant (Variation ID: 1765082). An algorithm developed to predict the effect of missense changes on protein structure and function (PolyPhen-2) suggests that this variant is likely to be disruptive. In summary, the available evidence is currently insufficient to determine the role of this variant in disease. Therefore, it has been classified as a Variant of Uncertain Significance.

Ambry Genetics
Classification: Uncertain significance for Cardiovascular phenotype. Last evaluated: 2024-05-04. Review status: criteria provided, single submitter. Criteria: Ambry Variant Classification Scheme 2023. Collection method: clinical testing. Allele origin: germline.
Comment: The p.L297P variant (also known as c.890T>C), located in coding exon 6 of the LMF1 gene, results from a T to C substitution at nucleotide position 890. The leucine at codon 297 is replaced by proline, an amino acid with similar properties. This amino acid position is conserved. In addition, this alteration is predicted to be deleterious by in silico analysis. Since supporting evidence is limited at this time, the clinical significance of this alteration remains unclear.